The following is an entry in ClinVar:

NM_000478.6(ALPL):c.1097C>T (p.Thr366Ile)

Gene: ALPL (alkaline phosphatase, biomineralization associated; plus strand). Cytogenetic location: 1p36.12.
Variant type: single nucleotide variant.
Coding change: c.1097C>T on transcript NM_000478.6 (MANE Select); coding-DNA position 1097, C replaced by T.
Protein change: p.Thr366Ile; replaces threonine 366 with isoleucine.
Molecular consequence: missense variant.
Genome position (GRCh38, 1-based): chr1:21,575,832, C>T. VCF-style: chr1-21575832-C-T. GRCh37 (hg19) VCF-style: chr1-21902325-C-T.
Other names: c.932C>T, p.Thr311Ile (NM_001127501.4); c.866C>T, p.Thr289Ile (NM_001177520.3); c.1097C>T, p.Thr366Ile (NM_001369803.2, NM_001369804.2, NM_001369805.2); c.1097C>T (NM_000478.5); short protein forms T289I, T366I, T311I.
Identifiers: ClinVar variation 3015935 (VCV003015935.5), dbSNP rs2545342384, ClinGen allele CA338881229.

ClinVar aggregate classification (germline): Uncertain significance. Review status: criteria provided, multiple submitters, no conflicts (2 of 4 stars). 3 submissions from 3 submitters: Uncertain significance (2). 1 of the submissions does not count toward it. Last evaluated 2025-08-29.

Conditions:
Hypophosphatasia. Also called: Phosphoethanol-aminuria. Identifiers: Orphanet 436, MedGen C0020630, MeSH D007014, MONDO:0018570.
Adult hypophosphatasia. Identifiers: Orphanet 247676, Orphanet 436, MedGen C0268413, MONDO:1010154, OMIM 146300, MONDO:0007798.

Allele frequency attached by ClinVar (database versions not stated): gnomAD exomes below 0.00001.
gnomAD v4.1: 1 of 1,614,222 alleles (0.000062%); highest among the groups gnomAD compares: South Asian, 0.0011%; no homozygotes.

Submissions (3):

Genomenon, Inc
Classification: Uncertain significance for Hypophosphatasia. Last evaluated: 2025-08-29. Review status: criteria provided, single submitter. Criteria: Genomenon Sequence Variant Interpretation Standards. Collection method: curation. Allele origin: germline. Affected: no.
Comment: ALPL p.Thr366Ile (c.1097C>T) is a missense variant that changes the amino acid at residue 366 from Threonine to Isoleucine. This variant has been reported in the published literature (PMID:38586466). It is absent or not present at a significant frequency in gnomAD. In silico models agree that this variant is possibly or probably damaging. In conclusion, we classify ALPL p.Thr366Ile (c.1097C>T) as a variant of unknown significance.

Labcorp Genetics (formerly Invitae), Labcorp
Classification: Uncertain significance. Last evaluated: 2023-09-17. Review status: criteria provided, single submitter. Criteria: Invitae Variant Classification Sherloc (09022015). Collection method: clinical testing. Allele origin: germline.
Comment: This variant is not present in population databases (gnomAD no frequency). This sequence change replaces threonine, which is neutral and polar, with isoleucine, which is neutral and non-polar, at codon 366 of the ALPL protein (p.Thr366Ile). In summary, the available evidence is currently insufficient to determine the role of this variant in disease. Therefore, it has been classified as a Variant of Uncertain Significance. Advanced modeling of protein sequence and biophysical properties (such as structural, functional, and spatial information, amino acid conservation, physicochemical variation, residue mobility, and thermodynamic stability) performed at Invitae indicates that this missense variant is expected to disrupt ALPL protein function. This variant has not been reported in the literature in individuals affected with ALPL-related conditions.

Molecular Genetics Laboratory, Biobizkaia Health Research Institute
Classification: Likely pathogenic for Adult hypophosphatasia. Last evaluated: 2024-03-08. Review status: no assertion criteria provided. Collection method: clinical testing. Allele origin: germline. Not counted in ClinVar's aggregate classification.

Literature cited by the submitters: PubMed 38586466 (cited by Genomenon, Inc).